The following is an entry in ClinVar:

ClinVar aggregate classification (germline): Pathogenic (1 of 4 stars; one submission).

Conditions:
Tuberous sclerosis 1 (TSC1). Identifiers: Orphanet 805, MedGen C1854465, MONDO:0008612, OMIM 191100.

Submission:

Labcorp Genetics (formerly Invitae), Labcorp
Classification: Pathogenic for Tuberous sclerosis 1. Last evaluated: 2021-12-20. Review status: criteria provided, single submitter. Criteria: Invitae Variant Classification Sherloc (09022015). Collection method: clinical testing. Allele origin: germline.
Comment: This variant has not been reported in the literature in individuals affected with TSC1-related conditions. This variant is not present in population databases (gnomAD no frequency). This sequence change creates a premature translational stop signal (p.Gln654Argfs*29) in the TSC1 gene. It is expected to result in an absent or disrupted protein product. Loss-of-function variants in TSC1 are known to be pathogenic (PMID: 10227394, 17304050). For these reasons, this variant has been classified as Pathogenic.

Literature cited by the submitters: PubMed 10227394; PubMed 17304050.

NM_000368.5(TSC1):c.1961_1974del (p.Gln654fs)

Gene: TSC1 (TSC complex subunit 1; minus strand). Cytogenetic location: 9q34.13.
Variant type: Deletion.
Coding change: c.1961_1974del on transcript NM_000368.5 (MANE Select); coding-DNA positions 1961 to 1974, 14 bases deleted (AGCAGGGAGCAGAC).
Protein change: p.Gln654fs; shifts the reading frame from glutamine 654.
Molecular consequence: frameshift variant.
Genome position (GRCh38, 1-based): chr9:132,905,604-132,905,617, GTCTGCTCCCTGCT deleted on the plus strand (AGCAGGGAGCAGAC on the coding strand, the reverse complement: TSC1 is on the minus strand); deleting any 14 consecutive bases within chr9:132,905,604-132,905,619 gives the same sequence; the c. name uses the placement nearest the transcript's 3' end. VCF-style (leftmost placement, unchanged base first): chr9-132905603-CGTCTGCTCCCTGCT-C. GRCh37 (hg19) VCF-style: chr9-135780990-CGTCTGCTCCCTGCT-C.
Other names: c.1958_1971del, p.Gln653fs (NM_001162426.2); c.1808_1821del, p.Gln603fs (NM_001162427.2); c.1598_1611del, p.Gln533fs (NM_001362177.2); c.1959_1972delACAGCAGGGAGCAG, p.Gln654Argfs (NM_001406592.1, NM_001406593.1, NM_001406594.1 and 7 more transcripts); c.1956_1969delACAGCAGGGAGCAG, p.Gln653Argfs (NM_001406597.1, NM_001406598.1, NM_001406599.1 and 5 more transcripts); c.1806_1819delACAGCAGGGAGCAG, p.Gln603Argfs (NM_001406610.1); c.1803_1816delACAGCAGGGAGCAG, p.Gln602Argfs (NM_001406611.1, NM_001406612.1, NM_001406613.1); c.1596_1609delACAGCAGGGAGCAG, p.Gln533Argfs (NM_001406614.1, NM_001406615.1, NM_001406616.1 and 4 more transcripts); and 4 more; short protein forms Q533fs, Q653fs, Q603fs, Q654fs.
Identifiers: ClinVar variation 2050272 (VCV002050272.4), dbSNP rs2538699490, ClinGen allele CA2580079897.
Genomic context (GRCh38, chr9:132,905,603, plus strand): 5'-GACCATTTAACACAGAAGAGAGTGCCCCAGTCCCTTACTTGTTCAGCTCCTTGCTGTGCG[CGTCTGCTCCCTGCT>C]GTATCAGTCTGTCCAGCACTTCCATTGGGGAGGTAGAGGGCACACCATCTTCCTCTGTGT-3'